The following is an entry in ClinVar:

ClinVar aggregate classification (germline): Uncertain significance (1 of 4 stars; one submission).

Conditions:
Hypertrophic cardiomyopathy 26. Also called: Cardiomyopathy, familial hypertrophic, 26. Identifiers: Orphanet 75249, MedGen C4310749, MONDO:0014883, OMIM 617047.
Myofibrillar myopathy 5. Also called: Filaminopathy (type); FILAMINOPATHY, AUTOSOMAL DOMINANT. Identifiers: Orphanet 171445, MedGen C1836050, MONDO:0012289, OMIM 609524.
Distal myopathy with posterior leg and anterior hand involvement. Also called: WILLIAMS DISTAL MYOPATHY. Identifiers: Orphanet 63273, MedGen C3279722, MONDO:0013550, OMIM 614065.

Submission:

Labcorp Genetics (formerly Invitae), Labcorp
Classification: Uncertain significance for Distal myopathy with posterior leg and anterior hand involvement; Myofibrillar myopathy 5; Hypertrophic cardiomyopathy 26. Last evaluated: 2023-09-21. Review status: criteria provided, single submitter. Criteria: Invitae Variant Classification Sherloc (09022015). Collection method: clinical testing. Allele origin: germline.
Comment: This sequence change replaces alanine, which is neutral and non-polar, with serine, which is neutral and polar, at codon 1277 of the FLNC protein (p.Ala1277Ser). This variant is not present in population databases (gnomAD no frequency). This variant has not been reported in the literature in individuals affected with FLNC-related conditions. ClinVar contains an entry for this variant (Variation ID: 1503519). Advanced modeling of protein sequence and biophysical properties (such as structural, functional, and spatial information, amino acid conservation, physicochemical variation, residue mobility, and thermodynamic stability) has been performed at Invitae for this missense variant, however the output from this modeling did not meet the statistical confidence thresholds required to predict the impact of this variant on FLNC protein function. In summary, the available evidence is currently insufficient to determine the role of this variant in disease. Therefore, it has been classified as a Variant of Uncertain Significance.

NM_001458.5(FLNC):c.3829G>T (p.Ala1277Ser)

Gene: FLNC (filamin C; plus strand). Cytogenetic location: 7q32.1.
Variant type: single nucleotide variant.
Coding change: c.3829G>T on transcript NM_001458.5 (MANE Select); coding-DNA position 3829, G replaced by T.
Protein change: p.Ala1277Ser; replaces alanine 1277 with serine.
Molecular consequence: missense variant.
Genome position (GRCh38, 1-based): chr7:128,846,028, G>T. VCF-style: chr7-128846028-G-T. GRCh37 (hg19) VCF-style: chr7-128486082-G-T.
Other names: c.3829G>T, p.Ala1277Ser (NM_001127487.2); short protein forms A1277S.
Identifiers: ClinVar variation 1503519 (VCV001503519.6), dbSNP rs1808548777, ClinGen allele CA369198454.